The following is an entry in ClinVar:

NM_001754.5(RUNX1):c.1185G>A (p.Pro395=)

Gene: RUNX1 (RUNX family transcription factor 1; minus strand). Cytogenetic location: 21q22.12.
Variant type: single nucleotide variant.
Coding change: c.1185G>A on transcript NM_001754.5 (MANE Select); coding-DNA position 1185, G replaced by A.
Protein change: p.Pro395=; no amino-acid change (proline 395 retained).
Molecular consequence: synonymous variant.
Genome position (GRCh38, 1-based): chr21:34,792,393, C>T on the plus strand (G>A on the coding strand, the complement: RUNX1 is on the minus strand). VCF-style: chr21-34792393-C-T. GRCh37 (hg19) VCF-style: chr21-36164690-C-T.
Other names: NM_001754.5(RUNX1):c.1185G>A; p.Pro395=; c.1104G>A, p.Pro368= (NM_001001890.3).
Identifiers: ClinVar variation 3791514 (VCV003791514.1).

ClinVar aggregate classification (germline): Likely benign. Review status: reviewed by expert panel (3 of 4 stars). 2 submissions from 2 submitters: Likely benign (1). 1 of the submissions does not count toward it. Last evaluated 2025-07-14.

Conditions:
Inborn genetic diseases. Identifiers: MedGen C0950123, MeSH D030342.
Hereditary thrombocytopenia and hematologic cancer predisposition syndrome. Identifiers: Orphanet 71290, MedGen CN281654, MONDO:0011071.

Submissions (2):

ClinGen Myeloid Malignancy Variant Curation Expert Panel
Classification: Likely benign for Hereditary thrombocytopenia and hematologic cancer predisposition syndrome. Last evaluated: 2025-07-14. Review status: reviewed by expert panel. Criteria: ClinGen MyeloMalig ACMG Specifications v2. Collection method: curation. Allele origin: germline. Inheritance: Autosomal dominant inheritance.
Comment: NM_001754.5(RUNX1):c.1185G>A (p.Pro395=) is a synonymous variant which has a SpliceAI score ≤ 0.20 (0.0) (BP4). This variant has a SpliceAI score ≤ 0.20 (0.0) and evolutionary conservation prediction algorithms predict the site as not being conserved (PhyloP score ≤ 2.0 (-3.50) (BP7). This variant is completely absent from all population databases with at least 20x coverage for RUNX1 (PM2_Supporting). In summary, this variant meets criteria to be classified as likely benign. ACMG/AMP criteria applied, as specified by the Myeloid Malignancy Variant Curation Expert Panel for RUNX1: BP4, BP7, PM2_supporting.

Ambry Genetics
Classification: Likely benign for Inborn genetic diseases. Last evaluated: 2025-02-18. Review status: criteria provided, single submitter. Criteria: Ambry Variant Classification Scheme 2023. Collection method: clinical testing. Allele origin: germline. Not counted in ClinVar's aggregate classification.